The following is an entry in ClinVar:

NM_033100.4(CDHR1):c.236G>A (p.Ser79Asn)

Gene: CDHR1 (cadherin related family member 1; plus strand). Cytogenetic location: 10q23.1.
Variant type: single nucleotide variant.
Coding change: c.236G>A on transcript NM_033100.4 (MANE Select); coding-DNA position 236, G replaced by A.
Protein change: p.Ser79Asn; replaces serine 79 with asparagine.
Molecular consequence: missense variant.
Genome position (GRCh38, 1-based): chr10:84,196,589, G>A. VCF-style: chr10-84196589-G-A. GRCh37 (hg19) VCF-style: chr10-85956345-G-A.
Other names: c.236G>A, p.Ser79Asn (NM_001171971.3); short protein forms S79N.
Identifiers: ClinVar variation 2031644 (VCV002031644.5), dbSNP rs376895118, ClinGen allele CA210377514.

ClinVar aggregate classification (germline): Uncertain significance. Review status: criteria provided, multiple submitters, no conflicts (2 of 4 stars). 2 submissions from 2 submitters: Uncertain significance (2). Last evaluated 2024-06-14.

gnomAD v4.1: 10 of 1,614,226 alleles (0.00062%); highest among the groups gnomAD compares: Admixed American, 0.0017%; no homozygotes.

Submissions (2):

Blueprint Genetics
Classification: Uncertain significance. Last evaluated: 2024-06-14. Review status: criteria provided, single submitter. Criteria: ACMG Guidelines, 2015. Collection method: clinical testing. Allele origin: germline.

Labcorp Genetics (formerly Invitae), Labcorp
Classification: Uncertain significance. Last evaluated: 2022-08-16. Review status: criteria provided, single submitter. Criteria: Invitae Variant Classification Sherloc (09022015). Collection method: clinical testing. Allele origin: germline.
Comment: Advanced modeling of protein sequence and biophysical properties (such as structural, functional, and spatial information, amino acid conservation, physicochemical variation, residue mobility, and thermodynamic stability) performed at Invitae indicates that this missense variant is not expected to disrupt CDHR1 protein function. This variant has not been reported in the literature in individuals affected with CDHR1-related conditions. In summary, the available evidence is currently insufficient to determine the role of this variant in disease. Therefore, it has been classified as a Variant of Uncertain Significance. This variant is not present in population databases (gnomAD no frequency). This sequence change replaces serine, which is neutral and polar, with asparagine, which is neutral and polar, at codon 79 of the CDHR1 protein (p.Ser79Asn).